The following is an entry in ClinVar:

NM_198525.3(KIF7):c.637C>G (p.Leu213Val)

Gene: KIF7 (kinesin family member 7; minus strand). Cytogenetic location: 15q26.1.
Variant type: single nucleotide variant.
Coding change: c.637C>G on transcript NM_198525.3 (MANE Select); coding-DNA position 637, C replaced by G.
Protein change: p.Leu213Val; replaces leucine 213 with valine.
Molecular consequence: missense variant.
Genome position (GRCh38, 1-based): chr15:89,649,260, G>C on the plus strand (C>G on the coding strand, the complement: KIF7 is on the minus strand). VCF-style: chr15-89649260-G-C. GRCh37 (hg19) VCF-style: chr15-90192491-G-C.
Other names: short protein forms L213V.
Identifiers: ClinVar variation 1380395 (VCV001380395.6), dbSNP rs967375546, ClinGen allele CA393775870.

ClinVar aggregate classification (germline): Uncertain significance (1 of 4 stars; one submission).

Conditions:
Acrocallosal syndrome (ACLS). Also called: Schinzel syndrome 1; Absence of corpus callosum with unusual facial appearance, mental deficiency, duplication of the halluces and polydactyly; HALLUX DUPLICATION, POSTAXIAL POLYDACTYLY, AND ABSENCE OF CORPUS CALLOSUM. Identifiers: Orphanet 36, MedGen C0796147, MONDO:0008708, OMIM 200990.

Submission:

Labcorp Genetics (formerly Invitae), Labcorp
Classification: Uncertain significance for Acrocallosal syndrome. Last evaluated: 2022-07-17. Review status: criteria provided, single submitter. Criteria: Invitae Variant Classification Sherloc (09022015). Collection method: clinical testing. Allele origin: germline.
Comment: This variant has not been reported in the literature in individuals affected with KIF7-related conditions. ClinVar contains an entry for this variant (Variation ID: 1380395). Algorithms developed to predict the effect of missense changes on protein structure and function (SIFT, PolyPhen-2, Align-GVGD) all suggest that this variant is likely to be tolerated. In summary, the available evidence is currently insufficient to determine the role of this variant in disease. Therefore, it has been classified as a Variant of Uncertain Significance. This variant is not present in population databases (gnomAD no frequency). This sequence change replaces leucine, which is neutral and non-polar, with valine, which is neutral and non-polar, at codon 213 of the KIF7 protein (p.Leu213Val).